The following is an entry in ClinVar:

ClinVar aggregate classification (germline): Uncertain significance (1 of 4 stars; one submission).

Allele frequency attached by ClinVar (database versions not stated): gnomAD 0.00001; TOPMed 0.00002.
gnomAD v4.1: 3 of 1,613,768 alleles (0.00019%); highest among the groups gnomAD compares: Admixed American, 0.0017%; no homozygotes.

Submission:

Labcorp Genetics (formerly Invitae), Labcorp
Classification: Uncertain significance. Last evaluated: 2023-07-17. Review status: criteria provided, single submitter. Criteria: Invitae Variant Classification Sherloc (09022015). Collection method: clinical testing. Allele origin: germline.
Comment: This sequence change replaces leucine, which is neutral and non-polar, with valine, which is neutral and non-polar, at codon 510 of the PLK4 protein (p.Leu510Val). This variant is not present in population databases (gnomAD no frequency). In summary, the available evidence is currently insufficient to determine the role of this variant in disease. Therefore, it has been classified as a Variant of Uncertain Significance. Algorithms developed to predict the effect of missense changes on protein structure and function output the following: SIFT: "Not Available"; PolyPhen-2: "Benign"; Align-GVGD: "Not Available". The valine amino acid residue is found in multiple mammalian species, which suggests that this missense change does not adversely affect protein function. ClinVar contains an entry for this variant (Variation ID: 1930548). This variant has not been reported in the literature in individuals affected with PLK4-related conditions.

NM_014264.5(PLK4):c.1528T>G (p.Leu510Val)

Gene: PLK4 (polo like kinase 4; plus strand). Cytogenetic location: 4q28.1.
Variant type: single nucleotide variant.
Coding change: c.1528T>G on transcript NM_014264.5 (MANE Select); coding-DNA position 1528, T replaced by G.
Protein change: p.Leu510Val; replaces leucine 510 with valine.
Molecular consequence: missense variant.
Genome position (GRCh38, 1-based): chr4:127,889,934, T>G. VCF-style: chr4-127889934-T-G. GRCh37 (hg19) VCF-style: chr4-128811089-T-G.
Other names: c.1432T>G, p.Leu478Val (NM_001190799.2); c.1405T>G, p.Leu469Val (NM_001190801.2); short protein forms L469V, L510V, L478V.
Identifiers: ClinVar variation 1930548 (VCV001930548.5), dbSNP rs1165100601, ClinGen allele CA358155541.